The following is an entry in ClinVar:

ClinVar aggregate classification (germline): Pathogenic (1 of 4 stars; one submission).

Conditions:
Ehlers-Danlos syndrome, classic type, 1 (EDSCL1). Also called: EHLERS-DANLOS SYNDROME, GRAVIS TYPE; EHLERS-DANLOS SYNDROME, SEVERE CLASSIC TYPE; Ehlers-Danlos syndrome, type 1; Ehlers-Danlos Syndrome, Classic Type, COL5A1-Related; EDS I. Identifiers: MedGen C0268335, MONDO:0019567, OMIM 130000.

Submission:

Labcorp Genetics (formerly Invitae), Labcorp
Classification: Pathogenic for Ehlers-Danlos syndrome, classic type, 1. Last evaluated: 2023-07-14. Review status: criteria provided, single submitter. Criteria: Invitae Variant Classification Sherloc (09022015). Collection method: clinical testing. Allele origin: germline.
Comment: For these reasons, this variant has been classified as Pathogenic. This variant has not been reported in the literature in individuals affected with COL5A1-related conditions. This variant is not present in population databases (gnomAD no frequency). This sequence change creates a premature translational stop signal (p.Trp1695*) in the COL5A1 gene. It is expected to result in an absent or disrupted protein product. Loss-of-function variants in COL5A1 are known to be pathogenic (PMID: 23587214).

Literature cited by the submitters: PubMed 23587214.

NM_000093.5(COL5A1):c.5084G>A (p.Trp1695Ter)

Genes: COL5A1 (collagen type V alpha 1 chain; plus strand), LOC101448202 (uncharacterized LOC101448202; minus strand). Cytogenetic location: 9q34.3.
Variant type: single nucleotide variant.
Coding change: c.5084G>A on transcript NM_000093.5 (MANE Select); coding-DNA position 5084, G replaced by A.
Protein change: p.Trp1695Ter; replaces tryptophan 1695 with a stop codon.
Molecular consequence: nonsense. On other transcripts: intron variant (1).
Genome position (GRCh38, 1-based): chr9:134,829,992, G>A. VCF-style: chr9-134829992-G-A. GRCh37 (hg19) VCF-style: chr9-137721838-G-A.
Other names: c.5068-116G>A (NM_001278074.1); short protein forms W1695*.
Identifiers: ClinVar variation 2743347 (VCV002743347.3), dbSNP rs2490908359, ClinGen allele CA375459308.